The following is an entry in ClinVar:

NM_000142.5(FGFR3):c.2274+3G>A

Gene: FGFR3 (fibroblast growth factor receptor 3; plus strand). Cytogenetic location: 4p16.3.
Variant type: single nucleotide variant.
Coding change: c.2274+3G>A on transcript NM_000142.5 (MANE Select); 3 bases into the intron after coding-DNA position 2274, G replaced by A.
Molecular consequence: intron variant.
Genome position (GRCh38, 1-based): chr4:1,806,937, G>A. VCF-style: chr4-1806937-G-A. GRCh37 (hg19) VCF-style: chr4-1808664-G-A.
Other names: c.2280+3G>A (NM_001163213.2); c.2277+3G>A (NM_001354809.2); c.2206+3G>A (NM_001354810.2); c.1938+3G>A (NM_022965.4).
Identifiers: ClinVar variation 2887386 (VCV002887386.3), dbSNP rs1406174380, ClinGen allele CA549266841.

ClinVar aggregate classification (germline): Uncertain significance (1 of 4 stars; one submission).

Allele frequency attached by ClinVar (database versions not stated): gnomAD 0.00001; gnomAD exomes 0.00001; TOPMed 0.00002.
gnomAD v4.1: 23 of 1,599,178 alleles (0.0014%); highest among the groups gnomAD compares: Non-Finnish European, 0.0019%; no homozygotes.

Submission:

Labcorp Genetics (formerly Invitae), Labcorp
Classification: Uncertain significance. Last evaluated: 2026-01-18. Review status: criteria provided, single submitter. Criteria: Invitae Variant Classification Sherloc (09022015). Collection method: clinical testing. Allele origin: germline.
Comment: This sequence change falls in intron 17 of the FGFR3 gene. It does not directly change the encoded amino acid sequence of the FGFR3 protein. It affects a nucleotide within the consensus splice site. The frequency data for this variant in the population databases is considered unreliable, as metrics indicate poor data quality at this position in the gnomAD database. This variant has not been reported in the literature in individuals affected with FGFR3-related conditions. ClinVar contains an entry for this variant (Variation ID: 2887386). Variants that disrupt the consensus splice site are a relatively common cause of aberrant splicing (PMID: 17576681, 9536098). Algorithms developed to predict the effect of sequence changes on RNA splicing suggest that this variant is not likely to affect RNA splicing. In summary, the available evidence is currently insufficient to determine the role of this variant in disease. Therefore, it has been classified as a Variant of Uncertain Significance.

Literature cited by the submitters: PubMed 17576681; PubMed 9536098.